The following is an entry in ClinVar:

NM_002473.6(MYH9):c.375G>A (p.Lys125=)

Gene: MYH9 (myosin heavy chain 9; minus strand). Cytogenetic location: 22q12.3.
Variant type: single nucleotide variant.
Coding change: c.375G>A on transcript NM_002473.6 (MANE Select); coding-DNA position 375, G replaced by A.
Protein change: p.Lys125=; no amino-acid change (lysine 125 retained).
Molecular consequence: synonymous variant.
Genome position (GRCh38, 1-based): chr22:36,341,485, C>T on the plus strand (G>A on the coding strand, the complement: MYH9 is on the minus strand). VCF-style: chr22-36341485-C-T. GRCh37 (hg19) VCF-style: chr22-36737530-C-T.
Identifiers: ClinVar variation 2980064 (VCV002980064.5), dbSNP rs142155458, ClinGen allele CA10210647.
Genomic context (GRCh38, chr22:36,341,485, plus strand): 5'-CTCGTGCCTCTTCTTGCCCTTGTACATTTCCACAATCTCTTCAGAGTAGATGGGCAGGTT[C>T]TTGTAAGGATTGATGACCACACAGAACAGGCCTGAATAGGTCTAAAGAAAAGAGCGGCAG-3'
Protein context (NP_002464.1, residues 115-135): GLFCVVINPY[Lys125=]NLPIYSEEIV

ClinVar aggregate classification (germline): Likely benign. Review status: criteria provided, single submitter (1 of 4 stars). 2 submissions from 2 submitters: Likely benign (1). 1 of the submissions does not count toward it. Last evaluated 2025-09-15.

Conditions:
MYH9-related disorder. Identifiers: MedGen C1854520.

Allele frequency attached by ClinVar (database versions not stated): gnomAD exomes 0.00001; ExAC 0.00002; ESP Exome Variant Server 0.00008.
gnomAD v4.1: 9 of 1,614,162 alleles (0.00056%); highest among the groups gnomAD compares: Non-Finnish European, 0.00068%; no homozygotes.

Submissions (2):

Labcorp Genetics (formerly Invitae), Labcorp
Classification: Likely benign. Last evaluated: 2025-09-15. Review status: criteria provided, single submitter. Criteria: Invitae Variant Classification Sherloc (09022015). Collection method: clinical testing. Allele origin: germline.

PreventionGenetics, part of Exact Sciences
Classification: Likely benign for MYH9-related condition. Last evaluated: 2021-06-28. Review status: no assertion criteria provided. Collection method: clinical testing. Allele origin: germline. Not counted in ClinVar's aggregate classification.
Comment: This variant is classified as likely benign based on ACMG/AMP sequence variant interpretation guidelines (Richards et al. 2015 PMID: 25741868, with internal and published modifications).